The following is an entry in ClinVar:

ClinVar aggregate classification (germline): Likely pathogenic (1 of 4 stars; one submission).

Conditions:
Intellectual developmental disorder, autosomal dominant 52. Also called: Intellectual disability, autosomal dominant 52; Mental retardation, autosomal dominant 52. Identifiers: MedGen C4540478, MONDO:0030918, OMIM 617796.

Submission:

Solve-RD Consortium
Classification: Likely pathogenic for Intellectual developmental disorder, autosomal dominant 52. Review status: criteria provided, single submitter. Criteria: ACMG Guidelines, 2015. Collection method: provider interpretation. Allele origin: germline. Inheritance: Autosomal dominant inheritance. Affected: yes. Study: Solve-RD DIFT-EpiCARE reanalysis.
Comment: PVS1, PM2

Variant identified during reanalysis of unsolved cases by the Solve-RD project. The Solve-RD project has received funding from the European Union’s Horizon 2020 research and innovation programme under grant agreement No 779257.

NM_018489.3(ASH1L):c.7978C>T (p.Gln2660Ter)

Gene: ASH1L (ASH1 like histone lysine methyltransferase; minus strand). Cytogenetic location: 1q22.
Variant type: single nucleotide variant.
Coding change: c.7978C>T on transcript NM_018489.3 (MANE Select); coding-DNA position 7978, C replaced by T.
Protein change: p.Gln2660Ter; replaces glutamine 2660 with a stop codon.
Molecular consequence: nonsense.
Genome position (GRCh38, 1-based): chr1:155,344,186, G>A on the plus strand (C>T on the coding strand, the complement: ASH1L is on the minus strand). VCF-style: chr1-155344186-G-A. GRCh37 (hg19) VCF-style: chr1-155313977-G-A.
Other names: c.7993C>T, p.Gln2665Ter (NM_001366177.2); short protein forms Q2660*, Q2665*.
Identifiers: ClinVar variation 4890779 (VCV004890779.1).